The following is an entry in ClinVar:

NM_001903.5(CTNNA1):c.1929dup (p.Glu644Ter)

Gene: CTNNA1 (catenin alpha 1; plus strand). Cytogenetic location: 5q31.2.
Variant type: Duplication.
Coding change: c.1929dup on transcript NM_001903.5 (MANE Select); coding-DNA position 1929, one base duplicated (T; older notation c.1929dupT).
Protein change: p.Glu644Ter; replaces glutamic acid 644 with a stop codon.
Molecular consequence: nonsense.
Genome position (GRCh38, 1-based): chr5:138,929,275, T duplicated; the last of 3 consecutive T bases (chr5:138,929,273-138,929,275); duplicating any one gives the same sequence. VCF-style (leftmost placement, unchanged base first): chr5-138929272-C-CT. GRCh37 (hg19) VCF-style: chr5-138264961-C-CT.
Other names: c.1929dup, p.Glu644Ter (NM_001290307.3, NM_001323982.2, NM_001323983.1 and 2 more transcripts); c.1620dup, p.Glu541Ter (NM_001290309.3); c.1560dup, p.Glu521Ter (NM_001290310.3); c.819dup, p.Glu274Ter (NM_001290312.1, NM_001323987.1, NM_001323988.1 and 17 more transcripts); c.1836dup, p.Glu613Ter (NM_001323986.2); c.480dup, p.Glu161Ter (NM_001324006.1, NM_001324007.1, NM_001324008.1 and 2 more transcripts); c.726dup, p.Glu243Ter (NM_001324011.1); c.576dup, p.Glu193Ter (NM_001324012.1, NM_001324013.1); short protein forms E161*, E193*, E521*, E644*, E243*, E274*, E541*, E613*.
Identifiers: ClinVar variation 3660052 (VCV003660052.2).

ClinVar aggregate classification (germline): Pathogenic (1 of 4 stars; one submission).

Submission:

Labcorp Genetics (formerly Invitae), Labcorp
Classification: Pathogenic. Last evaluated: 2024-07-21. Review status: criteria provided, single submitter. Criteria: Invitae Variant Classification Sherloc (09022015). Collection method: clinical testing. Allele origin: germline.
Comment: This sequence change creates a premature translational stop signal (p.Glu644*) in the CTNNA1 gene. It is expected to result in an absent or disrupted protein product. Loss-of-function variants in CTNNA1 are known to be pathogenic (PMID: 32051609, 34425242). This variant is not present in population databases (gnomAD no frequency). This variant has not been reported in the literature in individuals affected with CTNNA1-related conditions. For these reasons, this variant has been classified as Pathogenic.

Literature cited by the submitters: PubMed 32051609; PubMed 34425242.